The following is an entry in ClinVar:

ClinVar aggregate classification (germline): Conflicting classifications of pathogenicity. Review status: criteria provided, conflicting classifications (1 of 4 stars). 2 submissions from 2 submitters: Uncertain significance (1); Likely benign (1). Last evaluated 2024-11-11.

Allele frequency attached by ClinVar (database versions not stated): ExAC 0.00017; gnomAD 0.00028; ESP Exome Variant Server 0.00030.
gnomAD v4.1: 841 of 1,210,314 alleles (0.069%); highest among the groups gnomAD compares: Non-Finnish European, 0.092%; no homozygotes.

Submissions (2):

Ambry Genetics
Classification: Uncertain significance. Last evaluated: 2024-11-11. Review status: criteria provided, single submitter. Criteria: Ambry Variant Classification Scheme 2023. Collection method: clinical testing. Allele origin: germline.

CeGaT Center for Human Genetics Tuebingen
Classification: Likely benign. Last evaluated: 2022-11-01. Review status: criteria provided, single submitter. Criteria: CeGaT Center For Human Genetics Tuebingen Variant Classification Criteria Version 2. Collection method: clinical testing. Allele origin: germline. Affected: yes. Observed: 1 variant allele.
Comment: TRO: BS2

NM_001039705.3(TRO):c.3407G>T (p.Ser1136Ile)

Gene: TRO (trophinin; plus strand). Cytogenetic location: Xp11.21.
Variant type: single nucleotide variant.
Coding change: c.3407G>T on transcript NM_001039705.3 (MANE Select); coding-DNA position 3407, G replaced by T.
Protein change: p.Ser1136Ile; replaces serine 1136 with isoleucine.
Molecular consequence: missense variant. On other transcripts: intron variant (3).
Genome position (GRCh38, 1-based): chrX:54,930,131, G>T. VCF-style: chrX-54930131-G-T. GRCh37 (hg19) VCF-style: chrX-54956564-G-T.
Other names: c.2000G>T, p.Ser667Ile (NM_001271183.2); c.2216G>T, p.Ser739Ile (NM_001271184.2); c.1987-1073G>T (NM_016157.4, NM_177556.3); c.796-1073G>T (NM_177557.3); c.3407G>T (NM_001039705.1); short protein forms S1136I, S667I, S739I.
Identifiers: ClinVar variation 2660682 (VCV002660682.26), dbSNP rs200531038, ClinGen allele CA10427438.